The following is an entry in ClinVar:

NM_018051.5(DYNC2I1):c.1228C>G (p.Leu410Val)

Gene: DYNC2I1 (dynein 2 intermediate chain 1; plus strand). Cytogenetic location: 7q36.3.
Variant type: single nucleotide variant.
Coding change: c.1228C>G on transcript NM_018051.5 (MANE Select); coding-DNA position 1228, C replaced by G.
Protein change: p.Leu410Val; replaces leucine 410 with valine.
Molecular consequence: missense variant. On other transcripts: 5 prime UTR variant (3).
Genome position (GRCh38, 1-based): chr7:158,902,466, C>G. VCF-style: chr7-158902466-C-G. GRCh37 (hg19) VCF-style: chr7-158695157-C-G.
Other names: c.1228C>G (NM_018051.4); c.1090C>G, p.Leu364Val (NM_001350914.2); c.655C>G, p.Leu219Val (NM_001350915.2); c.-131C>G (NM_001350916.2); c.-139C>G (NM_001350917.2, NM_001350918.2); short protein forms L219V, L364V, L410V.
Identifiers: ClinVar variation 1680667 (VCV001680667.9), dbSNP rs866385885, ClinGen allele CA370187834.

ClinVar aggregate classification (germline): Uncertain significance. Review status: criteria provided, multiple submitters, no conflicts (2 of 4 stars). 2 submissions from 2 submitters: Uncertain significance (2). Last evaluated 2025-08-13.

Conditions:
Short-rib thoracic dysplasia 8 with or without polydactyly (SRTD8). Also called: SHORT-RIB THORACIC DYSPLASIA 8 WITH POLYDACTYLY. Identifiers: Orphanet 93271, MedGen C3809691, MONDO:0014214, OMIM 615503.
Inborn genetic diseases. Identifiers: MedGen C0950123, MeSH D030342.

Allele frequency attached by ClinVar (database versions not stated): TOPMed below 0.00001; gnomAD 0.00001.
gnomAD v4.1: 4 of 1,613,706 alleles (0.00025%); highest among the groups gnomAD compares: East Asian, 0.0022%; no homozygotes.

Submissions (2):

Ambry Genetics
Classification: Uncertain significance for Inborn genetic diseases. Last evaluated: 2025-08-13. Review status: criteria provided, single submitter. Criteria: Ambry Variant Classification Scheme 2023. Collection method: clinical testing. Allele origin: germline.

Labcorp Genetics (formerly Invitae), Labcorp
Classification: Uncertain significance for Short-rib thoracic dysplasia 8 with or without polydactyly. Last evaluated: 2021-02-19. Review status: criteria provided, single submitter. Criteria: Invitae Variant Classification Sherloc (09022015). Collection method: clinical testing. Allele origin: germline.
Comment: In summary, the available evidence is currently insufficient to determine the role of this variant in disease. Therefore, it has been classified as a Variant of Uncertain Significance. Algorithms developed to predict the effect of missense changes on protein structure and function (SIFT, PolyPhen-2, Align-GVGD) all suggest that this variant is likely to be tolerated, but these predictions have not been confirmed by published functional studies and their clinical significance is uncertain. This variant has not been reported in the literature in individuals with WDR60-related conditions. This variant is not present in population databases (ExAC no frequency). This sequence change replaces leucine with valine at codon 410 of the WDR60 protein (p.Leu410Val). The leucine residue is moderately conserved and there is a small physicochemical difference between leucine and valine.